The following is an entry in ClinVar:

ClinVar aggregate classification (germline): Uncertain significance (1 of 4 stars; one submission).

Conditions:
Microcephaly-intellectual disability-sensorineural hearing loss-epilepsy-abnormal muscle tone syndrome (NEDHSB). Also called: NEURODEVELOPMENTAL DISORDER WITH HEARING LOSS, SEIZURES, AND BRAIN ABNORMALITIES. Identifiers: Orphanet 457351, MedGen C4225276, MONDO:0014698, OMIM 616577.

Allele frequency attached by ClinVar (database versions not stated): gnomAD exomes below 0.00001 and 0.00001.
gnomAD v4.1: 3 of 1,614,146 alleles (0.00019%); highest among the groups gnomAD compares: African/African-American, 0.0013%; no homozygotes.

Submission:

Labcorp Genetics (formerly Invitae), Labcorp
Classification: Uncertain significance for Microcephaly-intellectual disability-sensorineural hearing loss-epilepsy-abnormal muscle tone syndrome. Last evaluated: 2021-02-03. Review status: criteria provided, single submitter. Criteria: Invitae Variant Classification Sherloc (09022015). Collection method: clinical testing. Allele origin: germline.
Comment: This sequence change replaces leucine with tryptophan at codon 193 of the SPATA5 protein (p.Leu193Trp). The leucine residue is highly conserved and there is a small physicochemical difference between leucine and tryptophan. This variant is not present in population databases (ExAC no frequency). This variant has not been reported in the literature in individuals with SPATA5-related conditions. Advanced modeling of protein sequence and biophysical properties (such as structural, functional, and spatial information, amino acid conservation, physicochemical variation, residue mobility, and thermodynamic stability) performed at Invitae indicates that this missense variant is expected to disrupt SPATA5 protein function. In summary, the available evidence is currently insufficient to determine the role of this variant in disease. Therefore, it has been classified as a Variant of Uncertain Significance.

NM_145207.3(AFG2A):c.578T>G (p.Leu193Trp)

Gene: AFG2A (AAA ATPase AFG2A; plus strand). Cytogenetic location: 4q28.1.
Variant type: single nucleotide variant.
Coding change: c.578T>G on transcript NM_145207.3 (MANE Select); coding-DNA position 578, T replaced by G.
Protein change: p.Leu193Trp; replaces leucine 193 with tryptophan.
Molecular consequence: missense variant.
Genome position (GRCh38, 1-based): chr4:122,934,169, T>G. VCF-style: chr4-122934169-T-G. GRCh37 (hg19) VCF-style: chr4-123855324-T-G.
Other names: c.575T>G, p.Leu192Trp (NM_001317799.2, NM_001345856.2); short protein forms L192W, L193W.
Identifiers: ClinVar variation 1520960 (VCV001520960.7), dbSNP rs1398526423, ClinGen allele CA358101547.